The following is an entry in ClinVar:

ClinVar aggregate classification (germline): Conflicting classifications of pathogenicity. Review status: criteria provided, conflicting classifications (1 of 4 stars). 5 submissions from 5 submitters: Uncertain significance (1); Likely benign (4). Last evaluated 2024-08-10.

Conditions:
Familial thoracic aortic aneurysm and aortic dissection (TAAD). Also called: Thoracic aortic aneurysms and dissections. Identifiers: Orphanet 91387, MedGen C4707243, MONDO:0019625.
Marfan syndrome (MFS). Also called: Marfan syndrome, classic; Marfan syndrome type 1; Marfan's syndrome; FBN1-Related Marfan Syndrome; MARFAN SYNDROME, TYPE I. Identifiers: Orphanet 284963, Orphanet 558, MedGen C0024796, MONDO:0007947, OMIM 154700.

Allele frequency attached by ClinVar (database versions not stated): ExAC 0.00001; TOPMed 0.00002; gnomAD exomes 0.00003 and 0.00002; gnomAD 0.00002.
gnomAD v4.1: 45 of 1,613,988 alleles (0.0028%); highest among the groups gnomAD compares: Non-Finnish European, 0.0038%; no homozygotes.

Submissions (5):

Labcorp Genetics (formerly Invitae), Labcorp
Classification: Likely benign for Marfan syndrome; Familial thoracic aortic aneurysm and aortic dissection. Last evaluated: 2024-08-10. Review status: criteria provided, single submitter. Criteria: Invitae Variant Classification Sherloc (09022015). Collection method: clinical testing. Allele origin: germline.

All of Us Research Program, National Institutes of Health
Classification: Likely benign for Marfan syndrome. Last evaluated: 2023-10-06. Review status: criteria provided, single submitter. Criteria: ACMG Guidelines, 2015. Collection method: clinical testing. Allele origin: germline. Inheritance: Autosomal dominant inheritance. Observed: 1 variant allele, 1 heterozygote.
Comment: This study involves interpretation of variants in research participants for the purpose of population health screening. Participant phenotype was not available at the time of variant classification. Additional details can be found in publication PMID: 35346344, PMCID: PMC8962531

Ambry Genetics
Classification: Likely benign for Familial thoracic aortic aneurysm and aortic dissection. Last evaluated: 2023-09-18. Review status: criteria provided, single submitter. Criteria: Ambry Variant Classification Scheme 2023. Collection method: clinical testing. Allele origin: germline.

GeneDx
Classification: Uncertain significance. Last evaluated: 2019-12-18. Review status: criteria provided, single submitter. Criteria: GeneDx Variant Classification Process June 2021. Collection method: clinical testing. Allele origin: germline. Affected: yes.
Comment: Has not been previously published as pathogenic or benign to our knowledge; Not observed at a significant frequency in large population cohorts (Lek et al., 2016); In silico analysis, which includes splice predictors and evolutionary conservation, suggests this variant may impact gene splicing; in the absence of RNA/functional studies, the actual effect of this sequence change is unknown

Color Diagnostics, LLC DBA Color Health
Classification: Likely benign for Familial thoracic aortic aneurysm and aortic dissection. Last evaluated: 2018-12-13. Review status: criteria provided, single submitter. Criteria: ACMG Guidelines, 2015. Collection method: clinical testing. Allele origin: germline.

NM_000138.5(FBN1):c.2502T>A (p.Ser834=)

Gene: FBN1 (fibrillin 1; minus strand). Cytogenetic location: 15q21.1.
Variant type: single nucleotide variant.
Coding change: c.2502T>A on transcript NM_000138.5 (MANE Select); coding-DNA position 2502, T replaced by A.
Protein change: p.Ser834=; no amino-acid change (serine 834 retained).
Molecular consequence: synonymous variant.
Genome position (GRCh38, 1-based): chr15:48,495,506, A>T on the plus strand (T>A on the coding strand, the complement: FBN1 is on the minus strand). VCF-style: chr15-48495506-A-T. GRCh37 (hg19) VCF-style: chr15-48787703-A-T.
Identifiers: ClinVar variation 918955 (VCV000918955.11), dbSNP rs754372754, ClinGen allele CA047873.